The following is an entry in ClinVar:

NM_000257.4(MYH7):c.2333A>T (p.Asp778Val)

Genes: MYH7 (myosin heavy chain 7; minus strand), LOC126861898 (BRD4-independent group 4 enhancer GRCh37_chr14:23893609-23894808; plus strand). Cytogenetic location: 14q11.2.
Variant type: single nucleotide variant.
Coding change: c.2333A>T on transcript NM_000257.4 (MANE Select); coding-DNA position 2333, A replaced by T.
Protein change: p.Asp778Val; replaces aspartic acid 778 with valine.
Molecular consequence: missense variant.
Genome position (GRCh38, 1-based): chr14:23,425,372, T>A on the plus strand (A>T on the coding strand, the complement: MYH7 is on the minus strand). VCF-style: chr14-23425372-T-A. GRCh37 (hg19) VCF-style: chr14-23894581-T-A.
Other names: short protein forms D778V.
Identifiers: ClinVar variation 454354 (VCV000454354.14), dbSNP rs121913634, ClinGen allele CA389048628.
Genomic context (GRCh38, chr14:23,425,372, plus strand): 5'-CTGGCGAGCACACCTCGGGACTGGGCCTGGATACGCGTGATGATGCGGCTCAGCCTCTCG[T>A]CCCTCATTTCCTCCAGCAGCCCCAGCAGCCCGGCCTTGAAGAACACCTGCAGGCAAGGTG-3'
Protein context (NP_000248.2, residues 768-788): GLLGLLEEMR[Asp778Val]ERLSRIITRI

ClinVar aggregate classification (germline): Pathogenic/Likely pathogenic. Review status: criteria provided, multiple submitters, no conflicts (2 of 4 stars). 5 submissions from 5 submitters: Pathogenic (1); Likely pathogenic (1). 3 of the submissions do not count toward it. Last evaluated 2021-05-06.

Conditions:
Hypertrophic cardiomyopathy. Also called: HYPERTROPHIC MYOCARDIOPATHY. Identifiers: Orphanet 217569, MedGen C0007194, MeSH D002312, MONDO:0005045, HP:0001639.
Hypertrophic cardiomyopathy 1 (CMH1). Also called: Familial hypertrophic cardiomyopathy 1; MYH7-Related Familial Hypertrophic Cardiomyopathy. Identifiers: MedGen C3495498, MONDO:0008647, OMIM 192600.

Allele frequency attached by ClinVar (database versions not stated): TOPMed below 0.00001; gnomAD 0.00001.
gnomAD v4.1: 1 of 1,614,016 alleles (0.000062%); highest among the groups gnomAD compares: Non-Finnish European, 0.000085%; no homozygotes.

Submissions (5):

Victorian Clinical Genetics Services, Murdoch Childrens Research Institute
Classification: Likely pathogenic for Hypertrophic cardiomyopathy 1. Last evaluated: 2021-05-06. Review status: criteria provided, single submitter. Criteria: ACMG Guidelines, 2015. Collection method: clinical testing. Allele origin: germline. Inheritance: Autosomal dominant inheritance.
Comment: Based on the classification scheme VCGS_Germline_v1.3.4, this variant is classified as Likely Pathogenic. Following criteria are met: 0105 - The mechanism of disease for this gene is not clearly established, however, missense variants have been proposed to act in a dominant negative manner (PMID: 24714796). (I) 0108 - This gene is associated with both recessive and dominant disease. Pathogenic variants in this gene are usually heterozygous, however a recessive inheritance pattern has been observed in severe cases (OMIM). (I) 0112 - The condition associated with this gene has incomplete penetrance (PMID: 29300372). (I) 0200 - Variant is predicted to result in a missense amino acid change from aspartic acid to valine. (I) 0251 - This variant is heterozygous. (I) 0302 - Variant is present in gnomAD (v3) <0.001 for a dominant condition (1 heterozygote, 0 homozygotes). (SP) 0501 - Missense variant consistently predicted to be damaging by multiple in silico tools or highly conserved with a major amino acid change. (SP) 0601 - Variant is located in the well-established functional myosin head domain (PMID: 29300372). (SP) 0702 - Other missense variants comparable to the one identified in this case have strong previous evidence for pathogenicity. These alternative changes (p.Asp778Gly, p.Asp778Glu, p.Asp778His, p.Asp778Asn) have been reported as likely pathogenic and pathogenic, and observed in multiple patients with hypertrophic cardiomyopathy (HCM) and ventricular hypertrophy (LOVD, ClinVar, PMID: 27885498, PMID: 30165862). (SP) 0801 - This variant has strong previous evidence of pathogenicity in unrelated individuals. This variant has been repeatedly classified as either likely pathogenic or pathogenic, and reported in multiple patients with HCM (LOVD, ClinVar, PMID: 15358028, PMID: 21674835, PMID: 22455086, PMID: 28408708, PMID: 30847666). (SP) 1208 - Inheritance information for this variant is not currently available in this individual. (I) Legend: (SP) - Supporting pathogenic, (I) - Information, (SB) - Supporting benign

Labcorp Genetics (formerly Invitae), Labcorp
Classification: Pathogenic for Hypertrophic cardiomyopathy. Last evaluated: 2021-01-08. Review status: criteria provided, single submitter. Criteria: Invitae Variant Classification Sherloc (09022015). Collection method: clinical testing. Allele origin: germline.
Comment: This sequence change replaces aspartic acid with valine at codon 778 of the MYH7 protein (p.Asp778Val). The aspartic acid residue is highly conserved and there is a large physicochemical difference between aspartic acid and valine. This variant is not present in population databases (ExAC no frequency). This variant has been observed in individual(s) with hypertrophic cardiomyopathy (PMID: 15358028, 21674835). ClinVar contains an entry for this variant (Variation ID: 454354). Algorithms developed to predict the effect of missense changes on protein structure and function (SIFT, PolyPhen-2, Align-GVGD) all suggest that this variant is likely to be disruptive, but these predictions have not been confirmed by published functional studies and their clinical significance is uncertain. This variant disrupts the p.Asp778 amino acid residue in MYH7. Other variant(s) that disrupt this residue have been determined to be pathogenic (PMID: 11748309, 12707239, 22112859, 27247418). This suggests that this residue is clinically significant, and that variants that disrupt this residue are likely to be disease-causing. For these reasons, this variant has been classified as Pathogenic.

Agnes Ginges Centre for Molecular Cardiology, Centenary Institute
Classification: Likely pathogenic for Hypertrophic cardiomyopathy. Last evaluated: 2019-12-11. Review status: no assertion criteria provided. Collection method: research. Allele origin: germline. Inheritance: Autosomal dominant inheritance. Affected: yes. Not counted in ClinVar's aggregate classification.
Comment: MYH7 Asp778Val has been identified previously in 2 HCM probands (Capek P, et al., 2011; Van Driest SL, et al., 2004). The variant is present at a low frequency in the Genome Aggregation Database. Computational tools SIFT, PolyPhen-2, PolyPhen-HCM and MutationTaster predict this variant to have a deleterious effect. Interestingly another variant at this position (c.2334C>G Asp778Glu) has been classified as pathogenic, suggesting that an amino acid substitution at this site may not be tolerated. In a large HCM population study Walsh et al., showed that MYH7 variants identified in HCM cases were found to cluster between amino acids 181- 937 (2017), this implies that variants in this region are likely to cause a HCM phenotype. Based on the adapted ACMG guidelines (Kelly MA, et al., 2018) this variant is located in a known functional domain of MYH7 (PM1), is rare in the general population (PM2), and another variant at this position has been classified as pathogenic (PM5). It has also has been identified in more than 2 HCM probands (PS4_supporting) and in silico tools predict the variant to be deleterious (PP3), therefore we classify MYH7 Asp778Val as "likely pathogenic".

Clinical Genetics, Academic Medical Center
Classification: Likely pathogenic. Review status: no assertion criteria provided. Collection method: clinical testing. Allele origin: germline. Affected: yes. Study: VKGL Data-share Consensus. Not counted in ClinVar's aggregate classification.

Diagnostic Laboratory, Department of Genetics, University Medical Center Groningen
Classification: Likely pathogenic. Review status: no assertion criteria provided. Collection method: clinical testing. Allele origin: germline. Affected: yes. Study: VKGL Data-share Consensus. Not counted in ClinVar's aggregate classification.

Literature cited by the submitters: PubMed 15358028 (cited by 3 submitters); PubMed 21674835 (cited by 3 submitters); PubMed 22455086 (cited by Victorian Clinical Genetics Services, Murdoch Childrens Research Institute); PubMed 24714796 (cited by Victorian Clinical Genetics Services, Murdoch Childrens Research Institute); PubMed 27885498 (cited by Victorian Clinical Genetics Services, Murdoch Childrens Research Institute); PubMed 28408708 (cited by Victorian Clinical Genetics Services, Murdoch Childrens Research Institute and Agnes Ginges Centre for Molecular Cardiology, Centenary Institute); PubMed 29300372 (cited by Victorian Clinical Genetics Services, Murdoch Childrens Research Institute); PubMed 30165862 (cited by Victorian Clinical Genetics Services, Murdoch Childrens Research Institute); PubMed 30847666 (cited by Victorian Clinical Genetics Services, Murdoch Childrens Research Institute); PubMed 11748309 (cited by Labcorp Genetics (formerly Invitae), Labcorp); PubMed 12707239 (cited by Labcorp Genetics (formerly Invitae), Labcorp); PubMed 22112859 (cited by Labcorp Genetics (formerly Invitae), Labcorp); PubMed 27247418 (cited by Labcorp Genetics (formerly Invitae), Labcorp); PubMed 24793961 (cited by Agnes Ginges Centre for Molecular Cardiology, Centenary Institute); PubMed 31110529 (cited by Agnes Ginges Centre for Molecular Cardiology, Centenary Institute).